The following is an entry in ClinVar:

ClinVar aggregate classification (germline): Uncertain significance (1 of 4 stars; one submission).

Allele frequency attached by ClinVar (database versions not stated): gnomAD exomes 0.00002; gnomAD 0.00003; TOPMed 0.00005; ExAC 0.00007.
gnomAD v4.1: 27 of 1,613,766 alleles (0.0017%); highest among the groups gnomAD compares: South Asian, 0.013%; no homozygotes.

Submission:

Labcorp Genetics (formerly Invitae), Labcorp
Classification: Uncertain significance. Last evaluated: 2022-04-21. Review status: criteria provided, single submitter. Criteria: Invitae Variant Classification Sherloc (09022015). Collection method: clinical testing. Allele origin: germline.
Comment: This sequence change replaces arginine, which is basic and polar, with glutamine, which is neutral and polar, at codon 291 of the MYRF protein (p.Arg291Gln). This variant is present in population databases (rs762351220, gnomAD 0.01%). This variant has not been reported in the literature in individuals affected with MYRF-related conditions. Algorithms developed to predict the effect of missense changes on protein structure and function are either unavailable or do not agree on the potential impact of this missense change (SIFT: "Tolerated"; PolyPhen-2: "Probably Damaging"; Align-GVGD: "Class C0"). In summary, the available evidence is currently insufficient to determine the role of this variant in disease. Therefore, it has been classified as a Variant of Uncertain Significance.

NM_001127392.3(MYRF):c.872G>A (p.Arg291Gln)

Gene: MYRF (myelin regulatory factor; plus strand). Cytogenetic location: 11q12.2.
Variant type: single nucleotide variant.
Coding change: c.872G>A on transcript NM_001127392.3 (MANE Select); coding-DNA position 872, G replaced by A.
Protein change: p.Arg291Gln; replaces arginine 291 with glutamine.
Molecular consequence: missense variant.
Genome position (GRCh38, 1-based): chr11:61,771,631, G>A. VCF-style: chr11-61771631-G-A. GRCh37 (hg19) VCF-style: chr11-61539103-G-A.
Other names: c.845G>A, p.Arg282Gln (NM_013279.4); short protein forms R282Q, R291Q.
Identifiers: ClinVar variation 2166489 (VCV002166489.1), dbSNP rs762351220, ClinGen allele CA6037686.